The following is an entry in ClinVar:

NM_002487.3(NDN):c.123G>T (p.Pro41=)

Gene: NDN (necdin, MAGE family member; minus strand). Cytogenetic location: 15q11.2.
Variant type: single nucleotide variant.
Coding change: c.123G>T on transcript NM_002487.3 (MANE Select); coding-DNA position 123, G replaced by T.
Protein change: p.Pro41=; no amino-acid change (proline 41 retained).
Molecular consequence: synonymous variant.
Genome position (GRCh38, 1-based): chr15:23,687,095, C>A on the plus strand (G>T on the coding strand, the complement: NDN is on the minus strand). VCF-style: chr15-23687095-C-A. GRCh37 (hg19) VCF-style: chr15-23932242-C-A.
Identifiers: ClinVar variation 3045622 (VCV003045622.2), dbSNP rs747112236, ClinGen allele CA7430314.
Genomic context (GRCh38, chr15:23,687,095, plus strand): 5'-CGGGGCCTGGGGAGGCGGCGCGGCCTGCGGAGCGGCCGTCGGGCCTAGAGGAGGGCTCTG[C>A]GGCTCTGCCAGGGTCGCGGACGGAGGAACCCCCTCCGAAACCCCAGGGCTGCTGTGCACC-3'
Protein context (NP_002478.1, residues 31-51): GVPPSATLAE[Pro41=]QSPPLGPTAA

ClinVar aggregate classification (germline): Likely benign (0 of 4 stars; one submission).

Conditions:
NDN-related disorder. Also called: NDN-related condition.

Allele frequency attached by ClinVar (database versions not stated): gnomAD 0.00001; gnomAD exomes 0.00001; TOPMed 0.00003; ExAC 0.00006.

Submission:

PreventionGenetics, part of Exact Sciences
Classification: Likely benign for NDN-related condition. Last evaluated: 2019-02-27. Review status: no assertion criteria provided. Collection method: clinical testing. Allele origin: germline.
Comment: This variant is classified as likely benign based on ACMG/AMP sequence variant interpretation guidelines (Richards et al. 2015 PMID: 25741868, with internal and published modifications).